The following is an entry in ClinVar:

ClinVar aggregate classification (germline): Conflicting classifications of pathogenicity. Review status: criteria provided, conflicting classifications (1 of 4 stars). 4 submissions from 4 submitters: Uncertain significance (2); Likely benign (1). 1 of the submissions does not count toward it. Last evaluated 2025-12-15.

Conditions:
DNAH1-related disorder. Also called: DNAH1-related condition.
Spermatogenic failure 18. Identifiers: MedGen C4539783, MONDO:0054615, OMIM 617576.
Ciliary dyskinesia, primary, 37 (CILD37). Also called: CILIARY DYSKINESIA, PRIMARY, 37, WITH OR WITHOUT SITUS INVERSUS. Identifiers: MedGen C4539798, MONDO:0033204, OMIM 617577.

Allele frequency attached by ClinVar (database versions not stated): gnomAD exomes 0.00011 and 0.00019; ExAC 0.00026; 1000 Genomes Project 30x 0.00047; 1000 Genomes Project 0.00060; ESP Exome Variant Server 0.00096; gnomAD 0.00109 and 0.00121; TOPMed 0.00121.
gnomAD v4.1: 335 of 1,613,624 alleles (0.021%); highest among the groups gnomAD compares: African/African-American, 0.39%; 2 homozygotes.

Submissions (4):

Labcorp Genetics (formerly Invitae), Labcorp
Classification: Likely benign for Ciliary dyskinesia, primary, 37; Spermatogenic failure 18. Last evaluated: 2025-12-15. Review status: criteria provided, single submitter. Criteria: Invitae Variant Classification Sherloc (09022015). Collection method: clinical testing. Allele origin: germline.

Blueprint Genetics
Classification: Uncertain significance. Last evaluated: 2024-10-24. Review status: criteria provided, single submitter. Criteria: ACMG Guidelines, 2015. Collection method: clinical testing. Allele origin: germline.

Ambry Genetics
Classification: Uncertain significance. Last evaluated: 2021-08-17. Review status: criteria provided, single submitter. Criteria: Ambry Variant Classification Scheme 2023. Collection method: clinical testing. Allele origin: germline.

PreventionGenetics, part of Exact Sciences
Classification: Likely benign for DNAH1-related condition. Last evaluated: 2024-09-17. Review status: no assertion criteria provided. Collection method: clinical testing. Allele origin: germline. Not counted in ClinVar's aggregate classification.
Comment: This variant is classified as likely benign based on ACMG/AMP sequence variant interpretation guidelines (Richards et al. 2015 PMID: 25741868, with internal and published modifications).

NM_015512.5(DNAH1):c.10852T>C (p.Tyr3618His)

Gene: DNAH1 (dynein axonemal heavy chain 1; plus strand). Cytogenetic location: 3p21.1.
Variant type: single nucleotide variant.
Coding change: c.10852T>C on transcript NM_015512.5 (MANE Select); coding-DNA position 10852, T replaced by C.
Protein change: p.Tyr3618His; replaces tyrosine 3618 with histidine.
Molecular consequence: missense variant.
Genome position (GRCh38, 1-based): chr3:52,394,943, T>C. VCF-style: chr3-52394943-T-C. GRCh37 (hg19) VCF-style: chr3-52428959-T-C.
Other names: short protein forms Y3618H.
Identifiers: ClinVar variation 544665 (VCV000544665.15), dbSNP rs199603472, ClinGen allele CA2435978.